The following is an entry in ClinVar:

ClinVar aggregate classification (germline): Uncertain significance (1 of 4 stars; one submission).

Conditions:
Inborn genetic diseases. Identifiers: MedGen C0950123, MeSH D030342.

gnomAD v4.1: 9 of 1,613,930 alleles (0.00056%); highest among the groups gnomAD compares: South Asian, 0.0088%; no homozygotes.

Submission:

Ambry Genetics
Classification: Uncertain significance for Inborn genetic diseases. Last evaluated: 2025-05-24. Review status: criteria provided, single submitter. Criteria: Ambry Variant Classification Scheme 2023. Collection method: clinical testing. Allele origin: germline.
Comment: The p.L121F variant (also known as c.363G>C), located in coding exon 3 of the CDH2 gene, results from a G to C substitution at nucleotide position 363. The leucine at codon 121 is replaced by phenylalanine, an amino acid with highly similar properties. This amino acid position is conserved. In addition, this alteration is predicted to be tolerated by in silico analysis. Based on the available evidence, the clinical significance of this variant remains unclear.

NM_001792.5(CDH2):c.363G>C (p.Leu121Phe)

Gene: CDH2 (cadherin 2; minus strand). Cytogenetic location: 18q12.1.
Variant type: single nucleotide variant.
Coding change: c.363G>C on transcript NM_001792.5 (MANE Select); coding-DNA position 363, G replaced by C.
Protein change: p.Leu121Phe; replaces leucine 121 with phenylalanine.
Molecular consequence: missense variant.
Genome position (GRCh38, 1-based): chr18:28,013,719, C>G on the plus strand (G>C on the coding strand, the complement: CDH2 is on the minus strand). VCF-style: chr18-28013719-C-G. GRCh37 (hg19) VCF-style: chr18-25593683-C-G.
Other names: c.270G>C, p.Leu90Phe (NM_001308176.2); short protein forms L121F, L90F.
Identifiers: ClinVar variation 3998906 (VCV003998906.1).